The following is an entry in ClinVar:

NM_000083.3(CLCN1):c.566C>T (p.Ser189Phe)

Gene: CLCN1 (chloride voltage-gated channel 1; plus strand). Cytogenetic location: 7q34.
Variant type: single nucleotide variant.
Coding change: c.566C>T on transcript NM_000083.3 (MANE Select); coding-DNA position 566, C replaced by T.
Protein change: p.Ser189Phe; replaces serine 189 with phenylalanine.
Molecular consequence: missense variant. On other transcripts: non-coding transcript variant (1).
Genome position (GRCh38, 1-based): chr7:143,321,718, C>T. VCF-style: chr7-143321718-C-T. GRCh37 (hg19) VCF-style: chr7-143018811-C-T.
Other names: c.566C>T (NM_000083.2); short protein forms S189F.
Identifiers: ClinVar variation 17548 (VCV000017548.2), dbSNP rs121912810, ClinGen allele CA258032.
Genomic context (GRCh38, chr7:143,321,718, plus strand): 5'-TTCATCTCCCTTTTCACCTTCACCTTGACCCTGCACATAATCTTTCAACGCTTTTAGGCT[C>T]TGGAATCCCCGAAATGAAGACAATACTTCGTGGGGTTGTCCTGAAGGAATACCTCACAAT-3'
Protein context (NP_000074.3, residues 179-199): CHLISPQAVG[Ser189Phe]GIPEMKTILR

ClinVar aggregate classification (germline): Uncertain significance. Review status: criteria provided, single submitter (1 of 4 stars). 2 submissions from 2 submitters: Uncertain significance (1). 1 of the submissions does not count toward it. Last evaluated 2023-09-11.

Conditions:
Congenital myotonia, autosomal dominant form (THD). Also called: THOMSEN DISEASE; Myotonia congenita autosomal dominant. Identifiers: Orphanet 614, MedGen C2936781, MONDO:0008055, OMIM 160800.

Submissions (2):

Women's Health and Genetics/Laboratory Corporation of America, LabCorp
Classification: Uncertain significance. Last evaluated: 2023-09-11. Review status: criteria provided, single submitter. Criteria: LabCorp Variant Classification Summary - May 2015. Collection method: clinical testing. Allele origin: germline.
Comment: Variant summary: CLCN1 c.566C>T (p.Ser189Phe) results in a non-conservative amino acid change in the encoded protein sequence. Five of five in-silico tools predict a damaging effect of the variant on protein function. The variant was absent in 251486 control chromosomes. c.566C>T has been reported in the literature in individuals affected with Myotonia congenita (Dupre_2009). These data indicate that the variant may be associated with disease. To our knowledge, no experimental evidence demonstrating an impact on protein function has been reported. The following publication have been ascertained in the context of this evaluation (PMID: 18337100). No submitters have cited clinical-significance assessments for this variant to ClinVar after 2014. Based on the evidence outlined above, the variant was classified as VUS-possibly pathogenic.

OMIM
Classification: Pathogenic for MYOTONIA CONGENITA, AUTOSOMAL DOMINANT. Last evaluated: 2009-05-01. Review status: no assertion criteria provided. Collection method: literature only. Allele origin: germline. Not counted in ClinVar's aggregate classification.

Literature cited by the submitters: PubMed 18337100 (cited by Women's Health and Genetics/Laboratory Corporation of America, LabCorp and OMIM).